The following is an entry in ClinVar:

NM_004958.4(MTOR):c.1157C>T (p.Ser386Leu)

Gene: MTOR (mechanistic target of rapamycin kinase; minus strand). Cytogenetic location: 1p36.22.
Variant type: single nucleotide variant.
Coding change: c.1157C>T on transcript NM_004958.4 (MANE Select); coding-DNA position 1157, C replaced by T.
Protein change: p.Ser386Leu; replaces serine 386 with leucine.
Molecular consequence: missense variant. On other transcripts: intron variant (1).
Genome position (GRCh38, 1-based): chr1:11,247,693, G>A on the plus strand (C>T on the coding strand, the complement: MTOR is on the minus strand). VCF-style: chr1-11247693-G-A. GRCh37 (hg19) VCF-style: chr1-11307750-G-A.
Other names: c.1157C>T, p.Ser386Leu (NM_001386500.1); c.-24+126C>T (NM_001386501.1); short protein forms S386L.
Identifiers: ClinVar variation 3012138 (VCV003012138.3), dbSNP rs368844302, ClinGen allele CA590795.

ClinVar aggregate classification (germline): Uncertain significance (1 of 4 stars; one submission).

Allele frequency attached by ClinVar (database versions not stated): ExAC 0.00002; ESP Exome Variant Server 0.00008.
gnomAD v4.1: 23 of 1,614,192 alleles (0.0014%); highest among the groups gnomAD compares: East Asian, 0.0067%; no homozygotes.

Submission:

Labcorp Genetics (formerly Invitae), Labcorp
Classification: Uncertain significance. Last evaluated: 2022-12-29. Review status: criteria provided, single submitter. Criteria: Invitae Variant Classification Sherloc (09022015). Collection method: clinical testing. Allele origin: germline.
Comment: This variant is present in population databases (rs368844302, gnomAD 0.004%). In summary, the available evidence is currently insufficient to determine the role of this variant in disease. Therefore, it has been classified as a Variant of Uncertain Significance. Advanced modeling of protein sequence and biophysical properties (such as structural, functional, and spatial information, amino acid conservation, physicochemical variation, residue mobility, and thermodynamic stability) performed at Invitae indicates that this missense variant is not expected to disrupt MTOR protein function. This variant has not been reported in the literature in individuals affected with MTOR-related conditions. This sequence change replaces serine, which is neutral and polar, with leucine, which is neutral and non-polar, at codon 386 of the MTOR protein (p.Ser386Leu).